The following is an entry in ClinVar:

ClinVar aggregate classification (germline): Benign/Likely benign. Review status: criteria provided, multiple submitters, no conflicts (2 of 4 stars). 7 submissions from 7 submitters: Benign (3); Likely benign (3). 1 of the submissions does not count toward it. Last evaluated 2026-01-14.

Conditions:
APP-related disorder. Also called: APP-related condition.
Alzheimer disease. Also called: Presenile and senile dementia; Alzheimer's disease. Identifiers: Orphanet 1020, MedGen C0002395, MeSH D000544, MONDO:0004975, HP:0002511.

Allele frequency attached by ClinVar (database versions not stated): ESP Exome Variant Server 0.00054; gnomAD exomes 0.00056; ExAC 0.00068; gnomAD 0.00069 and 0.00073; TOPMed 0.00069; 1000 Genomes Project 0.00120; 1000 Genomes Project 30x 0.00125.
gnomAD v4.1: 1,200 of 1,614,096 alleles (0.074%); highest among the groups gnomAD compares: Middle Eastern, 0.16%; 1 homozygote.

Submissions (7):

Labcorp Genetics (formerly Invitae), Labcorp
Classification: Benign for Alzheimer disease. Last evaluated: 2026-01-14. Review status: criteria provided, single submitter. Criteria: Invitae Variant Classification Sherloc (09022015). Collection method: clinical testing. Allele origin: germline.

CeGaT Center for Human Genetics Tuebingen
Classification: Benign. Last evaluated: 2025-10-01. Review status: criteria provided, single submitter. Criteria: CeGaT Center For Human Genetics Tuebingen Variant Classification Criteria Version 2. Collection method: clinical testing. Allele origin: germline. Affected: yes. Observed: 2 variant alleles.
Comment: APP: BS1, BS2

Mayo Clinic Laboratories, Mayo Clinic
Classification: Likely benign. Last evaluated: 2025-05-19. Review status: criteria provided, single submitter. Criteria: ACMG Guidelines, 2015. Collection method: clinical testing. Allele origin: germline. Observed: 1 variant allele.
Comment: BS1, BP4, BP7

Athena Diagnostics
Classification: Benign. Last evaluated: 2021-04-13. Review status: criteria provided, single submitter. Criteria: Athena Diagnostics criteria. Collection method: clinical testing. Allele origin: unknown.

Illumina Laboratory Services, Illumina
Classification: Likely benign for Alzheimer disease type 1. Last evaluated: 2018-01-12. Review status: criteria provided, single submitter. Criteria: ICSL Variant Classification Criteria 13 December 2019. Collection method: clinical testing. Allele origin: germline.
Comment: This variant was observed in the ICSL laboratory as part of a predisposition screen in an ostensibly healthy population. It had not been previously curated by ICSL or reported in the Human Gene Mutation Database (HGMD: prior to June 1st, 2018), and was therefore a candidate for classification through an automated scoring system. Utilizing variant allele frequency, disease prevalence and penetrance estimates, and inheritance mode, an automated score was calculated to assess if this variant is too frequent to cause the disease. Based on the score and internal cut-off values, a variant classified as likely benign is not then subjected to further curation. The score for this variant resulted in a classification of likely benign for this disease.

Breakthrough Genomics
Classification: Likely benign. Review status: criteria provided, single submitter. Criteria: ACMG Guidelines, 2015. Collection method: not provided. Allele origin: germline. Inheritance: Autosomal dominant inheritance. Affected: yes.

PreventionGenetics, part of Exact Sciences
Classification: Likely benign for APP-related condition. Last evaluated: 2022-04-17. Review status: no assertion criteria provided. Collection method: clinical testing. Allele origin: germline. Not counted in ClinVar's aggregate classification.
Comment: This variant is classified as likely benign based on ACMG/AMP sequence variant interpretation guidelines (Richards et al. 2015 PMID: 25741868, with internal and published modifications).

Literature cited by the submitters: PubMed 35144616 (cited by Mayo Clinic Laboratories, Mayo Clinic); PubMed 36133075 (cited by Mayo Clinic Laboratories, Mayo Clinic).

NM_000484.4(APP):c.1305C>T (p.Phe435=)

Gene: APP (amyloid beta precursor protein; minus strand). Cytogenetic location: 21q21.3.
Variant type: single nucleotide variant.
Coding change: c.1305C>T on transcript NM_000484.4 (MANE Select); coding-DNA position 1305, C replaced by T.
Protein change: p.Phe435=; no amino-acid change (phenylalanine 435 retained).
Molecular consequence: synonymous variant.
Genome position (GRCh38, 1-based): chr21:25,975,223, G>A on the plus strand (C>T on the coding strand, the complement: APP is on the minus strand). VCF-style: chr21-25975223-G-A. GRCh37 (hg19) VCF-style: chr21-27347536-G-A.
Other names: p.Phe435=; c.1233C>T, p.Phe411= (NM_001136016.3); c.912C>T, p.Phe304= (NM_001136129.3); c.1137C>T, p.Phe379= (NM_001136130.3, NM_001385253.1); c.975C>T, p.Phe325= (NM_001136131.3); c.1305C>T, p.Phe435= (NM_001204301.2); c.1248C>T, p.Phe416= (NM_001204302.2, NM_201413.3); c.1080C>T, p.Phe360= (NM_001204303.2, NM_201414.3).
Identifiers: ClinVar variation 446854 (VCV000446854.27), dbSNP rs148180403, ClinGen allele CA9987348.
Genomic context (GRCh38, chr21:25,975,223, plus strand): 5'-CTCCACCAGCTGCTGTCTCTCGTTGGCTGCTTCCTGTTCCAAAGATTCCACTTTCTCCTG[G>A]AAATGCTGCCATCATAAACACATATGTCCATGGGGACTGAATAAGTAGGATGAAGCAGCA-3'
Protein context (NP_000475.1, residues 425-445): KADKKAVIQH[Phe435=]QEKVESLEQE